The following is an entry in ClinVar:

NM_000501.4(ELN):c.544G>A (p.Val182Ile)

Gene: ELN (elastin; plus strand). Cytogenetic location: 7q11.23.
Variant type: single nucleotide variant.
Coding change: c.544G>A on transcript NM_000501.4 (MANE Select); coding-DNA position 544, G replaced by A.
Protein change: p.Val182Ile; replaces valine 182 with isoleucine.
Molecular consequence: missense variant. On other transcripts: intron variant (2).
Genome position (GRCh38, 1-based): chr7:74,046,190, G>A. VCF-style: chr7-74046190-G-A. GRCh37 (hg19) VCF-style: chr7-73460520-G-A.
Other names: c.514G>A, p.Val172Ile (NM_001081752.3, NM_001278917.2); c.559G>A, p.Val187Ile (NM_001081753.3, NM_001081754.3); c.544G>A, p.Val182Ile (NM_001081755.3, NM_001278912.2, NM_001278915.2 and 2 more transcripts); c.529G>A, p.Val177Ile (NM_001278914.2); c.506-506G>A (NM_001278913.2); c.440-506G>A (NM_001278918.2); short protein forms V177I, V182I, V187I, V172I.
Identifiers: ClinVar variation 3704801 (VCV003704801.2).

ClinVar aggregate classification (germline): Uncertain significance (1 of 4 stars; one submission).

Conditions:
Supravalvar aortic stenosis (SVAS). Also called: Supravalvar aortic stenosis, Eisenberg type. Identifiers: Orphanet 3193, MedGen C0003499, MONDO:0008504, OMIM 185500, HP:0004381.

gnomAD v4.1: 8 of 1,614,132 alleles (0.0005%); highest among the groups gnomAD compares: South Asian, 0.0066%; no homozygotes.

Submission:

Labcorp Genetics (formerly Invitae), Labcorp
Classification: Uncertain significance for Supravalvar aortic stenosis. Last evaluated: 2024-10-19. Review status: criteria provided, single submitter. Criteria: Invitae Variant Classification Sherloc (09022015). Collection method: clinical testing. Allele origin: germline.
Comment: This sequence change replaces valine, which is neutral and non-polar, with isoleucine, which is neutral and non-polar, at codon 182 of the ELN protein (p.Val182Ile). This variant is present in population databases (rs782675403, gnomAD 0.006%). This variant has not been reported in the literature in individuals affected with ELN-related conditions. Experimental studies and prediction algorithms are not available or were not evaluated, and the functional significance of this variant is currently unknown. In summary, the available evidence is currently insufficient to determine the role of this variant in disease. Therefore, it has been classified as a Variant of Uncertain Significance.